The following is an entry in ClinVar:

NM_006361.6(HOXB13):c.234G>A (p.Val78=)

Gene: HOXB13 (homeobox B13; minus strand). Cytogenetic location: 17q21.32.
Variant type: single nucleotide variant.
Coding change: c.234G>A on transcript NM_006361.6 (MANE Select); coding-DNA position 234, G replaced by A.
Protein change: p.Val78=; no amino-acid change (valine 78 retained).
Molecular consequence: synonymous variant.
Genome position (GRCh38, 1-based): chr17:48,728,360, C>T on the plus strand (G>A on the coding strand, the complement: HOXB13 is on the minus strand). VCF-style: chr17-48728360-C-T. GRCh37 (hg19) VCF-style: chr17-46805722-C-T.
Identifiers: ClinVar variation 3526284 (VCV003526284.2).
Genomic context (GRCh38, chr17:48,728,360, plus strand): 5'-TTTCAGCGAGCTCCGGGACACTCGGCAGGAGTAGTACCCGCCTCCAAAGTAACCATAAGG[C>T]ACGGGAGCTGGGGACGTCCCCTGGGGCACCCCAGGGCATGGGTGGCATTGCTTTGGCGGC-3'
Protein context (NP_006352.2, residues 68-88): GVPQGTSPAP[Val78=]PYGYFGGGYY

ClinVar aggregate classification (germline): Benign/Likely benign. Review status: criteria provided, multiple submitters, no conflicts (2 of 4 stars). 2 submissions from 2 submitters: Benign (1); Likely benign (1). Last evaluated 2024-10-29.

Conditions:
Prostate cancer, hereditary, 9 (HPC9). Identifiers: Orphanet 1331, MedGen C1970250, MONDO:0012597, OMIM 610997.
Hereditary cancer-predisposing syndrome. Also called: Hereditary Cancer Syndrome; Hereditary neoplastic syndrome; Tumor predisposition; Neoplastic Syndromes, Hereditary. Identifiers: Orphanet 140162, MedGen C0027672, MeSH D009386, MONDO:0015356.

Submissions (2):

Myriad Genetics, Inc.
Classification: Benign for Prostate cancer, hereditary, 9. Last evaluated: 2024-10-29. Review status: criteria provided, single submitter. Criteria: Myriad Autosomal Dominant, Autosomal Recessive and X-Linked Classification Criteria (2023). Collection method: clinical testing. Allele origin: unknown.
Comment: This variant is considered benign. This variant is a silent/synonymous amino acid change and it is not expected to impact splicing.

Ambry Genetics
Classification: Likely benign for Hereditary cancer-predisposing syndrome. Last evaluated: 2024-07-15. Review status: criteria provided, single submitter. Criteria: Ambry Variant Classification Scheme 2023. Collection method: clinical testing. Allele origin: germline.